The following is an entry in ClinVar:

ClinVar aggregate classification (germline): Uncertain significance. Review status: criteria provided, multiple submitters, no conflicts (2 of 4 stars). 2 submissions from 2 submitters: Uncertain significance (2). Last evaluated 2026-05-13.

Conditions:
TTN-related disorder. Also called: TTN-related condition; TTN-related disease; TTN-related disorders.
Autosomal recessive limb-girdle muscular dystrophy type 2J (LGMDR10). Also called: Limb-girdle muscular dystrophy, type 2J; MUSCULAR DYSTROPHY, LIMB-GIRDLE, AUTOSOMAL RECESSIVE 10. Identifiers: Orphanet 140922, MedGen C1837342, MONDO:0012127, OMIM 608807.
Dilated cardiomyopathy 1G (CMD1G). Identifiers: Orphanet 154, MedGen C1858763, MONDO:0011400, OMIM 604145.

Allele frequency attached by ClinVar (database versions not stated): gnomAD 0.00003 and 0.00004; ExAC 0.00004; TOPMed 0.00006; gnomAD exomes 0.00012.
gnomAD v4.1: 66 of 1,612,216 alleles (0.0041%); highest among the groups gnomAD compares: Admixed American, 0.053%; no homozygotes.

Submissions (2):

PreventionGenetics, part of Exact Sciences
Classification: Uncertain significance for TTN-related condition. Last evaluated: 2026-05-13. Review status: criteria provided, single submitter. Criteria: ACMG Guidelines, 2015. Collection method: clinical testing. Allele origin: germline.
Comment: The TTN c.36158C>T variant is predicted to result in the amino acid substitution p.Thr12053Met. To our knowledge, this variant has not been reported in the literature in individuals with TTN-related disorders. This variant is reported in 0.070% of alleles in individuals of Latino descent in gnomAD. Although we suspect that this variant may be benign, at this time, the clinical significance of this variant is uncertain due to the absence of conclusive functional and genetic evidence.

Labcorp Genetics (formerly Invitae), Labcorp
Classification: Uncertain significance for Dilated cardiomyopathy 1G; Autosomal recessive limb-girdle muscular dystrophy type 2J. Last evaluated: 2017-11-13. Review status: criteria provided, single submitter. Criteria: Invitae Variant Classification Sherloc (09022015). Collection method: clinical testing. Allele origin: germline.

NM_001267550.2(TTN):c.36158C>T (p.Thr12053Met)

Gene: TTN (titin; minus strand). Cytogenetic location: 2q31.2.
Variant type: single nucleotide variant.
Coding change: c.36158C>T on transcript NM_001267550.2 (MANE Select); coding-DNA position 36158, C replaced by T.
Protein change: p.Thr12053Met; replaces threonine 12053 with methionine.
Molecular consequence: missense variant. On other transcripts: intron variant (5).
Genome position (GRCh38, 1-based): chr2:178,664,698, G>A on the plus strand (C>T on the coding strand, the complement: TTN is on the minus strand). VCF-style: chr2-178664698-G-A. GRCh37 (hg19) VCF-style: chr2-179529425-G-A.
Other names: c.13283-22381C>T (NM_003319.4); c.13859-22381C>T (NM_133437.4); c.13658-22381C>T (NM_133432.3); c.31484-1643C>T (NM_133378.4); c.34265-1643C>T (NM_001256850.1); short protein forms T12053M.
Identifiers: ClinVar variation 467062 (VCV000467062.4), dbSNP rs761169549, ClinGen allele CA1997642.